The following is an entry in ClinVar:

ClinVar aggregate classification (germline): Uncertain significance (1 of 4 stars; one submission).

Allele frequency attached by ClinVar (database versions not stated): gnomAD exomes 0.00001.

Submission:

Labcorp Genetics (formerly Invitae), Labcorp
Classification: Uncertain significance. Last evaluated: 2022-08-22. Review status: criteria provided, single submitter. Criteria: Invitae Variant Classification Sherloc (09022015). Collection method: clinical testing. Allele origin: germline.
Comment: In summary, the available evidence is currently insufficient to determine the role of this variant in disease. Therefore, it has been classified as a Variant of Uncertain Significance. Algorithms developed to predict the effect of missense changes on protein structure and function are either unavailable or do not agree on the potential impact of this missense change (SIFT: "Deleterious"; PolyPhen-2: "Not Available"; Align-GVGD: "Class C55"). This variant has not been reported in the literature in individuals affected with DMP1-related conditions. This variant is not present in population databases (gnomAD no frequency). This sequence change replaces glutamic acid, which is acidic and polar, with lysine, which is basic and polar, at codon 446 of the DMP1 protein (p.Glu446Lys).

NM_004407.4(DMP1):c.1336G>A (p.Glu446Lys)

Genes: DMP1 (dentin matrix acidic phosphoprotein 1; plus strand), DMP1-AS1 (DMP1 and DSPP antisense RNA 1; minus strand). Cytogenetic location: 4q22.1.
Variant type: single nucleotide variant.
Coding change: c.1336G>A on transcript NM_004407.4 (MANE Select); coding-DNA position 1336, G replaced by A.
Protein change: p.Glu446Lys; replaces glutamic acid 446 with lysine.
Molecular consequence: missense variant.
Genome position (GRCh38, 1-based): chr4:87,663,114, G>A. VCF-style: chr4-87663114-G-A. GRCh37 (hg19) VCF-style: chr4-88584266-G-A.
Other names: c.1288G>A, p.Glu430Lys (NM_001079911.3); short protein forms E430K, E446K.
Identifiers: ClinVar variation 1940056 (VCV001940056.5), dbSNP rs2475946453, ClinGen allele CA357701474.